The following is an entry in ClinVar:

ClinVar aggregate classification (germline): Uncertain significance. Review status: criteria provided, multiple submitters, no conflicts (2 of 4 stars). 3 submissions from 3 submitters: Uncertain significance (3). Last evaluated 2026-01-14.

Conditions:
Cardiovascular phenotype. Identifiers: MedGen CN230736.
Hypertrophic cardiomyopathy. Also called: HYPERTROPHIC MYOCARDIOPATHY. Identifiers: Orphanet 217569, MedGen C0007194, MeSH D002312, MONDO:0005045, HP:0001639.

Submissions (3):

Labcorp Genetics (formerly Invitae), Labcorp
Classification: Uncertain significance for Hypertrophic cardiomyopathy. Last evaluated: 2026-01-14. Review status: criteria provided, single submitter. Criteria: Invitae Variant Classification Sherloc (09022015). Collection method: clinical testing. Allele origin: germline.
Comment: This sequence change replaces aspartic acid, which is acidic and polar, with glutamic acid, which is acidic and polar, at codon 254 of the TPM1 protein (p.Asp254Glu). This variant is not present in population databases (gnomAD no frequency). This variant has not been reported in the literature in individuals affected with TPM1-related conditions. ClinVar contains an entry for this variant (Variation ID: 235068). An algorithm developed to predict the effect of missense changes on protein structure and function (PolyPhen-2) suggests that this variant is likely to be disruptive. In summary, the available evidence is currently insufficient to determine the role of this variant in disease. Therefore, it has been classified as a Variant of Uncertain Significance.

Ambry Genetics
Classification: Uncertain significance for Cardiovascular phenotype. Last evaluated: 2025-08-21. Review status: criteria provided, single submitter. Criteria: Ambry Variant Classification Scheme 2023. Collection method: clinical testing. Allele origin: germline.
Comment: The p.D254E variant (also known as c.762T>A), located in coding exon 8 of the TPM1 gene, results from a T to A substitution at nucleotide position 762. The aspartic acid at codon 254 is replaced by glutamic acid, an amino acid with highly similar properties. Other variant(s) resulting in the same amino acid change (c.762T>G) have been identified in individual(s) with features consistent with hypertrophic cardiomyopathy (HCM) (Walsh R et al. Genet Med, 2017 Feb;19:192-203; Ho CY et al. Circulation, 2018 Oct;138:1387-1398). This amino acid position is highly conserved in available vertebrate species. In addition, this alteration is predicted to be deleterious by in silico analysis. Based on the available evidence, the clinical significance of this variant remains unclear.

Stanford Center for Inherited Cardiovascular Disease, Stanford University
Classification: Uncertain significance. Last evaluated: 2013-07-24. Review status: criteria provided, single submitter. Criteria: ACMG Guidelines, 2015. Collection method: provider interpretation. Allele origin: germline.

Literature cited by the submitters: PubMed 27532257 (cited by Ambry Genetics); PubMed 30297972 (cited by Ambry Genetics).

NM_001018005.2(TPM1):c.762T>A (p.Asp254Glu)

Gene: TPM1 (tropomyosin 1; plus strand). Cytogenetic location: 15q22.2.
Variant type: single nucleotide variant.
Coding change: c.762T>A on transcript NM_001018005.2 (MANE Select); coding-DNA position 762, T replaced by A.
Protein change: p.Asp254Glu; replaces aspartic acid 254 with glutamic acid.
Molecular consequence: missense variant.
Genome position (GRCh38, 1-based): chr15:63,062,635, T>A. VCF-style: chr15-63062635-T-A. GRCh37 (hg19) VCF-style: chr15-63354834-T-A.
Other names: c.762T>A, p.Asp254Glu (NM_000366.6, NM_001018004.2, NM_001018006.2 and 6 more transcripts); c.654T>A, p.Asp218Glu (NM_001018008.2, NM_001301289.2, NM_001330344.2 and 5 more transcripts); c.888T>A, p.Asp296Glu (NM_001365778.1); short protein forms D254E, D218E, D296E.
Identifiers: ClinVar variation 235068 (VCV000235068.13), dbSNP rs727504354, ClinGen allele CA10581184.